The following is an entry in ClinVar:

ClinVar aggregate classification (germline): Uncertain significance (1 of 4 stars; one submission).

gnomAD v4.1: 1 of 1,613,998 alleles (0.000062%); highest among the groups gnomAD compares: South Asian, 0.0011%; no homozygotes.

Submission:

Labcorp Genetics (formerly Invitae), Labcorp
Classification: Uncertain significance. Last evaluated: 2025-11-17. Review status: criteria provided, single submitter. Criteria: Invitae Variant Classification Sherloc (09022015). Collection method: clinical testing. Allele origin: germline.
Comment: This sequence change replaces serine, which is neutral and polar, with threonine, which is neutral and polar, at codon 729 of the VCAN protein (p.Ser729Thr). This variant is not present in population databases (gnomAD no frequency). This variant has not been reported in the literature in individuals affected with VCAN-related conditions. An algorithm developed to predict the effect of missense changes on protein structure and function outputs the following: PolyPhen-2: "Benign". The threonine amino acid residue is found in multiple mammalian species, which suggests that this missense change does not adversely affect protein function. In summary, the available evidence is currently insufficient to determine the role of this variant in disease. Therefore, it has been classified as a Variant of Uncertain Significance.

NM_004385.5(VCAN):c.2185T>A (p.Ser729Thr)

Gene: VCAN (versican; plus strand). Cytogenetic location: 5q14.3.
Variant type: single nucleotide variant.
Coding change: c.2185T>A on transcript NM_004385.5 (MANE Select); coding-DNA position 2185, T replaced by A.
Protein change: p.Ser729Thr; replaces serine 729 with threonine.
Molecular consequence: missense variant. On other transcripts: intron variant (2).
Genome position (GRCh38, 1-based): chr5:83,520,491, T>A. VCF-style: chr5-83520491-T-A. GRCh37 (hg19) VCF-style: chr5-82816310-T-A.
Other names: c.2185T>A, p.Ser729Thr (NM_001164098.2); c.1042+8095T>A (NM_001164097.2, NM_001126336.3); short protein forms S729T.
Identifiers: ClinVar variation 4773916 (VCV004773916.1).